The following is an entry in ClinVar:

NM_016734.3(PAX5):c.577G>C (p.Asp193His)

Genes: PAX5 (paired box 5; minus strand), LOC105376032 (uncharacterized LOC105376032; plus strand). Cytogenetic location: 9p13.2.
Variant type: single nucleotide variant.
Coding change: c.577G>C on transcript NM_016734.3 (MANE Select); coding-DNA position 577, G replaced by C.
Protein change: p.Asp193His; replaces aspartic acid 193 with histidine.
Molecular consequence: missense variant. On other transcripts: non-coding transcript variant (2), intron variant (2).
Genome position (GRCh38, 1-based): chr9:37,002,675, C>G on the plus strand (G>C on the coding strand, the complement: PAX5 is on the minus strand). VCF-style: chr9-37002675-C-G. GRCh37 (hg19) VCF-style: chr9-37002672-C-G.
Other names: c.577G>C, p.Asp193His (NM_001280547.2, NM_001280548.2, NM_001280549.2 and 2 more transcripts); c.253G>C, p.Asp85His (NM_001280551.2, NM_001280556.2); c.379G>C, p.Asp127His (NM_001280555.2); c.475+3798G>C (NM_001280553.2, NM_001280554.2); short protein forms D193H, D85H, D127H.
Identifiers: ClinVar variation 4626954 (VCV004626954.1).

ClinVar aggregate classification (germline): Uncertain significance (1 of 4 stars; one submission).

Conditions:
Inborn genetic diseases. Identifiers: MedGen C0950123, MeSH D030342.

Submission:

Ambry Genetics
Classification: Uncertain significance for Inborn genetic diseases. Last evaluated: 2025-10-26. Review status: criteria provided, single submitter. Criteria: Ambry Variant Classification Scheme 2023. Collection method: clinical testing. Allele origin: germline.
Comment: The p.D193H variant (also known as c.577G>C), located in coding exon 5 of the PAX5 gene, results from a G to C substitution at nucleotide position 577. The aspartic acid at codon 193 is replaced by histidine, an amino acid with similar properties. This amino acid position is conserved. In addition, the in silico prediction for this alteration is inconclusive. Based on the available evidence, the clinical significance of this variant remains unclear.